The following is an entry in ClinVar:

ClinVar aggregate classification (germline): Uncertain significance (1 of 4 stars; one submission).

Conditions:
Hereditary cancer-predisposing syndrome. Also called: Tumor predisposition; Hereditary Cancer Syndrome; Neoplastic Syndromes, Hereditary; Hereditary neoplastic syndrome. Identifiers: Orphanet 140162, MedGen C0027672, MeSH D009386, MONDO:0015356.

Submission:

Ambry Genetics
Classification: Uncertain significance for Hereditary cancer-predisposing syndrome. Last evaluated: 2021-09-10. Review status: criteria provided, single submitter. Criteria: Ambry Variant Classification Scheme 2023. Collection method: clinical testing. Allele origin: germline.
Comment: The p.P871T variant (also known as c.2611C>A), located in coding exon 25 of the RB1 gene, results from a C to A substitution at nucleotide position 2611. The proline at codon 871 is replaced by threonine, an amino acid with highly similar properties. This amino acid position is highly conserved in available vertebrate species. In addition, the in silico prediction for this alteration is inconclusive. Since supporting evidence is limited at this time, the clinical significance of this alteration remains unclear.

NM_000321.3(RB1):c.2611C>A (p.Pro871Thr)

Gene: RB1 (RB transcriptional corepressor 1; plus strand). Cytogenetic location: 13q14.2.
Variant type: single nucleotide variant.
Coding change: c.2611C>A on transcript NM_000321.3 (MANE Select); coding-DNA position 2611, C replaced by A.
Protein change: p.Pro871Thr; replaces proline 871 with threonine.
Molecular consequence: missense variant.
Genome position (GRCh38, 1-based): chr13:48,476,791, C>A. VCF-style: chr13-48476791-C-A. GRCh37 (hg19) VCF-style: chr13-49050927-C-A.
Other names: c.2611C>A, p.Pro871Thr (NM_001407165.1); c.61C>A, p.Pro21Thr (NM_001407168.1); short protein forms P871T, P21T.
Identifiers: ClinVar variation 1793803 (VCV001793803.2), dbSNP rs2138359377, ClinGen allele CA388157457.